The following is an entry in ClinVar:

ClinVar aggregate classification (germline): Uncertain significance (1 of 4 stars; one submission).

Conditions:
Inborn genetic diseases. Identifiers: MedGen C0950123, MeSH D030342.

gnomAD v4.1: 1 of 1,593,176 alleles (0.000063%); highest among the groups gnomAD compares: Non-Finnish European, 0.000086%; no homozygotes.

Submission:

Ambry Genetics
Classification: Uncertain significance for Inborn genetic diseases. Last evaluated: 2026-08-31. Review status: criteria provided, single submitter. Criteria: Ambry Variant Classification Scheme 2023. Collection method: clinical testing. Allele origin: germline.
Comment: The p.T813A variant (also known as c.2437A>G), located in coding exon 16 of the PIK3CA gene, results from an A to G substitution at nucleotide position 2437. The threonine at codon 813 is replaced by alanine, an amino acid with similar properties. This amino acid position is conserved. In addition, the in silico prediction for this alteration is inconclusive. Based on the available evidence, the clinical significance of this variant remains unclear.

NM_006218.4(PIK3CA):c.2437A>G (p.Thr813Ala)

Gene: PIK3CA (phosphatidylinositol-4,5-bisphosphate 3-kinase catalytic subunit alpha; plus strand). Cytogenetic location: 3q26.32.
Variant type: single nucleotide variant.
Coding change: c.2437A>G on transcript NM_006218.4 (MANE Select); coding-DNA position 2437, A replaced by G.
Protein change: p.Thr813Ala; replaces threonine 813 with alanine.
Molecular consequence: missense variant.
Genome position (GRCh38, 1-based): chr3:179,225,982, A>G. VCF-style: chr3-179225982-A-G. GRCh37 (hg19) VCF-style: chr3-178943770-A-G.
Other names: short protein forms T813A.
Identifiers: ClinVar variation 5026709 (VCV005026709.1).
Genomic context (GRCh38, chr3:179,225,982, plus strand): 5'-CTGTGGCATTAAATGGTGATACATATTATTTGAATTTCAGATTTACGGCAAGATATGCTA[A>G]CACTTCAAATTATTCGTATTATGGAAAATATCTGGCAAAATCAAGGTCTTGATCTTCGGT-3'
Protein context (NP_006209.2, residues 803-823): NGDDLRQDML[Thr813Ala]LQIIRIMENI